The following is an entry in ClinVar:

ClinVar aggregate classification (germline): Pathogenic. Review status: criteria provided, single submitter (1 of 4 stars). 3 submissions from 3 submitters: Pathogenic (1). 2 of the submissions do not count toward it. Last evaluated 2022-12-05.

Conditions:
Retinoschisis. Identifiers: MedGen C0152439, MONDO:0004579, HP:0030502.

Submissions (3):

Labcorp Genetics (formerly Invitae), Labcorp
Classification: Pathogenic. Last evaluated: 2022-12-05. Review status: criteria provided, single submitter. Criteria: Invitae Variant Classification Sherloc (09022015). Collection method: clinical testing. Allele origin: germline.
Comment: Algorithms developed to predict the effect of missense changes on protein structure and function are either unavailable or do not agree on the potential impact of this missense change (SIFT: "Deleterious"; PolyPhen-2: "Possibly Damaging"; Align-GVGD: "Class C0"). Studies have shown that this missense change alters RS1 gene expression (PMID: 16361673). Variants that disrupt the consensus splice site are a relatively common cause of aberrant splicing (PMID: 17576681, 9536098). For these reasons, this variant has been classified as Pathogenic. ClinVar contains an entry for this variant (Variation ID: 98937). This sequence change replaces glycine, which is neutral and non-polar, with glutamic acid, which is acidic and polar, at codon 109 of the RS1 protein (p.Gly109Glu). This variant also falls at the last nucleotide of exon 4, which is part of the consensus splice site for this exon. This variant is not present in population databases (gnomAD no frequency). This missense change has been observed in individual(s) with retinoschisis (PMID: 10220153, 10636421, 28272453, 31456290; Invitae).

Sharon lab, Hadassah-Hebrew University Medical Center
Classification: Likely pathogenic for retinoschisis. Last evaluated: 2019-06-23. Review status: no assertion criteria provided. Collection method: research. Allele origin: inherited. Affected: yes. Not counted in ClinVar's aggregate classification.

Retina International
No classification provided. Review status: no classification provided. Collection method: not provided. Allele origin: unknown. Not counted in ClinVar's aggregate classification.

Literature cited by the submitters: PubMed 16361673 (cited by Labcorp Genetics (formerly Invitae), Labcorp); PubMed 17576681 (cited by Labcorp Genetics (formerly Invitae), Labcorp); PubMed 9536098 (cited by Labcorp Genetics (formerly Invitae), Labcorp); PubMed 10220153 (cited by Labcorp Genetics (formerly Invitae), Labcorp); PubMed 10636421 (cited by Labcorp Genetics (formerly Invitae), Labcorp); PubMed 28272453 (cited by Labcorp Genetics (formerly Invitae), Labcorp); PubMed 31456290 (cited by Labcorp Genetics (formerly Invitae), Labcorp).

NM_000330.4(RS1):c.326G>A (p.Gly109Glu)

Genes: CDKL5 (cyclin dependent kinase like 5; plus strand), RS1 (retinoschisin 1; minus strand). Cytogenetic location: Xp22.13.
Variant type: single nucleotide variant.
Coding change: c.326G>A on transcript NM_000330.4 (MANE Select); coding-DNA position 326, G replaced by A.
Protein change: p.Gly109Glu; replaces glycine 109 with glutamic acid.
Molecular consequence: missense variant. On other transcripts: intron variant (2).
Genome position (GRCh38, 1-based): chrX:18,647,191, C>T on the plus strand (G>A on the coding strand, the complement: RS1 is on the minus strand). VCF-style: chrX-18647191-C-T. GRCh37 (hg19) VCF-style: chrX-18665311-C-T.
Other names: c.2797+1101C>T (NM_003159.3, NM_001037343.2); short protein forms G109E.
Identifiers: ClinVar variation 98937 (VCV000098937.7), dbSNP rs281865345, ClinGen allele CA226684.